The following is an entry in ClinVar:

NM_004482.4(GALNT3):c.1191+1G>A

Gene: GALNT3 (polypeptide N-acetylgalactosaminyltransferase 3; minus strand). Cytogenetic location: 2q24.3.
Variant type: single nucleotide variant.
Coding change: c.1191+1G>A on transcript NM_004482.4 (MANE Select); the canonical splice donor site of the intron after coding-DNA position 1191, G replaced by A.
Molecular consequence: splice donor variant.
Genome position (GRCh38, 1-based): chr2:165,758,746, C>T on the plus strand (G>A on the coding strand, the complement: GALNT3 is on the minus strand). VCF-style: chr2-165758746-C-T. GRCh37 (hg19) VCF-style: chr2-166615256-C-T.
Identifiers: ClinVar variation 2827126 (VCV002827126.4), dbSNP rs1352981584, ClinGen allele CA349036393.
Genomic context (GRCh38, chr2:165,758,746, plus strand): 5'-TTAGAACACAATATATTTCATTGTTTAATATATCTGCTATATTTAATTTCCATAAACTTA[C>T]TCTGAAAGACATTTCTATATTTTCACCTCCCCAGATTTCCATTTCTTCATCATAGCTTCC-3'

ClinVar aggregate classification (germline): Likely pathogenic (1 of 4 stars; one submission).

Allele frequency attached by ClinVar (database versions not stated): gnomAD exomes below 0.00001.
gnomAD v4.1: 1 of 1,501,526 alleles (0.000067%); highest among the groups gnomAD compares: Admixed American, 0.0017%; no homozygotes.

Submission:

Labcorp Genetics (formerly Invitae), Labcorp
Classification: Likely pathogenic. Last evaluated: 2023-01-16. Review status: criteria provided, single submitter. Criteria: Invitae Variant Classification Sherloc (09022015). Collection method: clinical testing. Allele origin: germline.
Comment: In summary, the currently available evidence indicates that the variant is pathogenic, but additional data are needed to prove that conclusively. Therefore, this variant has been classified as Likely Pathogenic. This sequence change affects a donor splice site in intron 6 of the GALNT3 gene. It is expected to disrupt RNA splicing. Variants that disrupt the donor or acceptor splice site typically lead to a loss of protein function (PMID: 16199547), and loss-of-function variants in GALNT3 are known to be pathogenic (PMID: 15133511, 20358599). Algorithms developed to predict the effect of sequence changes on RNA splicing suggest that this variant may disrupt the consensus splice site. This variant is present in population databases (no rsID available, gnomAD 0.003%). This variant has not been reported in the literature in individuals affected with GALNT3-related conditions.

Literature cited by the submitters: PubMed 16199547; PubMed 15133511; PubMed 20358599.